The following is an entry in ClinVar:

NM_004655.4(AXIN2):c.1200+18_1200+19delinsGC

Gene: AXIN2 (axin 2; minus strand). Cytogenetic location: 17q24.1.
Variant type: Indel.
Coding change: c.1200+18_1200+19delinsGC on transcript NM_004655.4 (MANE Select); bases 18 to 19 of the intron after coding-DNA position 1200, TT replaced by GC.
Molecular consequence: intron variant.
Genome position (GRCh38, 1-based): chr17:65,538,184-65,538,185, AA replaced by GC on the plus strand (TT replaced by GC on the coding strand, the reverse complement: AXIN2 is on the minus strand). VCF-style: chr17-65538184-AA-GC. GRCh37 (hg19) VCF-style: chr17-63534302-AA-GC.
Other names: c.1200+18_1200+19delinsGC (LRG_296t1, NM_001363813.1).
Identifiers: ClinVar variation 182016 (VCV000182016.9), dbSNP rs730881403, ClinGen allele CA298411.

ClinVar aggregate classification (germline): Benign/Likely benign. Review status: criteria provided, multiple submitters, no conflicts (2 of 4 stars). 2 submissions from 2 submitters: Benign (1); Likely benign (1). Last evaluated 2026-02-04.

Conditions:
Hereditary cancer-predisposing syndrome. Also called: Tumor predisposition; Hereditary Cancer Syndrome; Hereditary neoplastic syndrome; Neoplastic Syndromes, Hereditary. Identifiers: Orphanet 140162, MedGen C0027672, MeSH D009386, MONDO:0015356.
Oligodontia-cancer predisposition syndrome. Also called: TOOTH AGENESIS-COLORECTAL CANCER SYNDROME. Identifiers: Orphanet 300576, MedGen C1837750, MONDO:0012075, OMIM 608615. Disease mechanism: loss of function.

Submissions (2):

Labcorp Genetics (formerly Invitae), Labcorp
Classification: Likely benign for Oligodontia-cancer predisposition syndrome. Last evaluated: 2026-02-04. Review status: criteria provided, single submitter. Criteria: Invitae Variant Classification Sherloc (09022015). Collection method: clinical testing. Allele origin: germline.

GeneDx
Classification: Benign for Neoplastic Syndromes, Hereditary. Last evaluated: 2014-09-08. Review status: criteria provided, single submitter. Criteria: GeneDx Variant Classification (06012015). Collection method: clinical testing. Allele origin: germline. Affected: yes.
Comment: The variant is found in COLO-HEREDIC,HEREDICANCER panel(s).